The following is an entry in ClinVar:

ClinVar aggregate classification (germline): Uncertain significance. Review status: criteria provided, multiple submitters, no conflicts (2 of 4 stars). 2 submissions from 2 submitters: Uncertain significance (2). Last evaluated 2022-07-30.

Conditions:
Inborn genetic diseases. Identifiers: MedGen C0950123, MeSH D030342.

Allele frequency attached by ClinVar (database versions not stated): gnomAD 0.00006 and 0.00011; ESP Exome Variant Server 0.00008; gnomAD exomes 0.00009 and 0.00019; TOPMed 0.00010; ExAC 0.00023; 1000 Genomes Project 30x 0.00047; 1000 Genomes Project 0.00060.
gnomAD v4.1: 154 of 1,614,186 alleles (0.0095%); highest among the groups gnomAD compares: East Asian, 0.14%; no homozygotes.

Submissions (2):

Labcorp Genetics (formerly Invitae), Labcorp
Classification: Uncertain significance. Last evaluated: 2022-07-30. Review status: criteria provided, single submitter. Criteria: Invitae Variant Classification Sherloc (09022015). Collection method: clinical testing. Allele origin: germline.
Comment: This sequence change replaces aspartic acid, which is acidic and polar, with histidine, which is basic and polar, at codon 1041 of the TRAPPC9 protein (p.Asp1041His). This variant is present in population databases (rs144046998, gnomAD 0.1%). This variant has not been reported in the literature in individuals affected with TRAPPC9-related conditions. ClinVar contains an entry for this variant (Variation ID: 362067). Algorithms developed to predict the effect of missense changes on protein structure and function are either unavailable or do not agree on the potential impact of this missense change (SIFT: "Not Available"; PolyPhen-2: "Probably Damaging"; Align-GVGD: "Not Available"). In summary, the available evidence is currently insufficient to determine the role of this variant in disease. Therefore, it has been classified as a Variant of Uncertain Significance.

Ambry Genetics
Classification: Uncertain significance for Inborn genetic diseases. Last evaluated: 2022-03-15. Review status: criteria provided, single submitter. Criteria: Ambry Variant Classification Scheme 2023. Collection method: clinical testing. Allele origin: germline.

NM_001160372.4(TRAPPC9):c.2827G>C (p.Asp943His)

Gene: TRAPPC9 (trafficking protein particle complex subunit 9; minus strand). Cytogenetic location: 8q24.3.
Variant type: single nucleotide variant.
Coding change: c.2827G>C on transcript NM_001160372.4 (MANE Select); coding-DNA position 2827, G replaced by C.
Protein change: p.Asp943His; replaces aspartic acid 943 with histidine.
Molecular consequence: missense variant. On other transcripts: non-coding transcript variant (1).
Genome position (GRCh38, 1-based): chr8:139,910,284, C>G on the plus strand (G>C on the coding strand, the complement: TRAPPC9 is on the minus strand). VCF-style: chr8-139910284-C-G. GRCh37 (hg19) VCF-style: chr8-140922528-C-G.
Other names: c.2800G>C, p.Asp934His (NM_001321646.2); c.2848G>C, p.Asp950His (NM_001374682.1); c.2716G>C, p.Asp906His (NM_001374683.1); c.2683G>C, p.Asp895His (NM_001374684.1); c.2827G>C, p.Asp943His (NM_031466.8); short protein forms D943H, D934H, D895H, D906H, D950H.
Identifiers: ClinVar variation 362067 (VCV000362067.7), dbSNP rs144046998, ClinGen allele CA4892901.